The following is an entry in ClinVar:

ClinVar aggregate classification (germline): Likely benign (1 of 4 stars; one submission).

Submission:

CeGaT Center for Human Genetics Tuebingen
Classification: Likely benign. Last evaluated: 2022-11-01. Review status: criteria provided, single submitter. Criteria: CeGaT Center For Human Genetics Tuebingen Variant Classification Criteria Version 2. Collection method: clinical testing. Allele origin: germline. Affected: yes. Observed: 1 variant allele.
Comment: PRX: PM2:Supporting, BP4, BP7

NM_181882.3(PRX):c.3606T>G (p.Gly1202=)

Gene: PRX (periaxin; minus strand). Cytogenetic location: 19q13.2.
Variant type: single nucleotide variant.
Coding change: c.3606T>G on transcript NM_181882.3 (MANE Select); coding-DNA position 3606, T replaced by G.
Protein change: p.Gly1202=; no amino-acid change (glycine 1202 retained).
Molecular consequence: synonymous variant. On other transcripts: 3 prime UTR variant (1).
Genome position (GRCh38, 1-based): chr19:40,394,746, A>C on the plus strand (T>G on the coding strand, the complement: PRX is on the minus strand). VCF-style: chr19-40394746-A-C. GRCh37 (hg19) VCF-style: chr19-40900653-A-C.
Other names: c.3891T>G, p.Gly1297= (NM_001411127.1); c.*3811T>G (NM_020956.2).
Identifiers: ClinVar variation 2649877 (VCV002649877.24), dbSNP rs2514799282, ClinGen allele CA507678778.